The following is an entry in ClinVar:

NM_000038.6(APC):c.5151A>C (p.Lys1717Asn)

Gene: APC (APC regulator of Wnt signaling pathway; plus strand). Cytogenetic location: 5q22.2.
Variant type: single nucleotide variant.
Coding change: c.5151A>C on transcript NM_000038.6 (MANE Select); coding-DNA position 5151, A replaced by C.
Protein change: p.Lys1717Asn; replaces lysine 1717 with asparagine.
Molecular consequence: missense variant.
Genome position (GRCh38, 1-based): chr5:112,840,745, A>C. VCF-style: chr5-112840745-A-C. GRCh37 (hg19) VCF-style: chr5-112176442-A-C.
Other names: c.5151A>C, p.Lys1717Asn (NM_001127510.3, NM_001354895.2); c.5097A>C, p.Lys1699Asn (NM_001127511.3); c.5205A>C, p.Lys1735Asn (NM_001354896.2); c.5181A>C, p.Lys1727Asn (NM_001354897.2); c.5076A>C, p.Lys1692Asn (NM_001354898.2); c.5067A>C, p.Lys1689Asn (NM_001354899.2); c.5028A>C, p.Lys1676Asn (NM_001354900.2); c.4974A>C, p.Lys1658Asn (NM_001354901.2); and 6 more; short protein forms K1434N, K1557N, K1591N, K1616N, K1626N, K1658N, K1676N, K1689N.
Identifiers: ClinVar variation 1017940 (VCV001017940.11), dbSNP rs1554086481, ClinGen allele CA16032589.
Genomic context (GRCh38, chr5:112,840,745, plus strand): 5'-AGATGAGGCTCAAGGAGGAAAAACCTCATCTGTAACCATACCTGAATTGGATGACAATAA[A>C]GCAGAGGAAGGTGATATTCTTGCAGAATGCATTAATTCTGCTATGCCCAAAGGGAAAAGT-3'
Protein context (NP_000029.2, residues 1707-1727): SVTIPELDDN[Lys1717Asn]AEEGDILAEC

ClinVar aggregate classification (germline): Uncertain significance. Review status: criteria provided, multiple submitters, no conflicts (2 of 4 stars). 2 submissions from 2 submitters: Uncertain significance (2). Last evaluated 2023-12-15.

Conditions:
Hereditary cancer-predisposing syndrome. Also called: Tumor predisposition; Neoplastic Syndromes, Hereditary; Hereditary neoplastic syndrome; Hereditary Cancer Syndrome. Identifiers: Orphanet 140162, MedGen C0027672, MeSH D009386, MONDO:0015356.
Familial adenomatous polyposis 1 (FAP1). Also called: POLYPOSIS, ADENOMATOUS INTESTINAL; FAMILIAL ADENOMATOUS POLYPOSIS 1, ATTENUATED. Identifiers: MedGen C2713442, MONDO:0021056, OMIM 175100. Disease mechanism: loss of function.

Submissions (2):

Ambry Genetics
Classification: Uncertain significance for Hereditary cancer-predisposing syndrome. Last evaluated: 2023-12-15. Review status: criteria provided, single submitter. Criteria: Ambry Variant Classification Scheme 2023. Collection method: clinical testing. Allele origin: germline.
Comment: The p.K1717N variant (also known as c.5151A>C), located in coding exon 15 of the APC gene, results from an A to C substitution at nucleotide position 5151. The lysine at codon 1717 is replaced by asparagine, an amino acid with similar properties. This amino acid position is conserved. In addition, in silico predictors for this gene do not accurately predict pathogenicity. Since supporting evidence is limited at this time, the clinical significance of this alteration remains unclear.

Labcorp Genetics (formerly Invitae), Labcorp
Classification: Uncertain significance for Familial adenomatous polyposis 1. Last evaluated: 2020-09-09. Review status: criteria provided, single submitter. Criteria: Invitae Variant Classification Sherloc (09022015). Collection method: clinical testing. Allele origin: germline.
Comment: In summary, the available evidence is currently insufficient to determine the role of this variant in disease. Therefore, it has been classified as a Variant of Uncertain Significance. Algorithms developed to predict the effect of missense changes on protein structure and function are either unavailable or do not agree on the potential impact of this missense change (SIFT: "Deleterious"; PolyPhen-2: "Probably Damaging"; Align-GVGD: "Class C0"). This variant has not been reported in the literature in individuals with APC-related conditions. This variant is not present in population databases (ExAC no frequency). This sequence change replaces lysine with asparagine at codon 1717 of the APC protein (p.Lys1717Asn). The lysine residue is highly conserved and there is a moderate physicochemical difference between lysine and asparagine.